The following is an entry in ClinVar:

NM_000256.3(MYBPC3):c.2116G>A (p.Gly706Ser)

Gene: MYBPC3 (myosin binding protein C3; minus strand). Cytogenetic location: 11p11.2.
Variant type: single nucleotide variant.
Coding change: c.2116G>A on transcript NM_000256.3 (MANE Select); coding-DNA position 2116, G replaced by A.
Protein change: p.Gly706Ser; replaces glycine 706 with serine.
Molecular consequence: missense variant.
Genome position (GRCh38, 1-based): chr11:47,339,356, C>T on the plus strand (G>A on the coding strand, the complement: MYBPC3 is on the minus strand). VCF-style: chr11-47339356-C-T. GRCh37 (hg19) VCF-style: chr11-47360907-C-T.
Other names: short protein forms G706S.
Identifiers: ClinVar variation 3069859 (VCV003069859.2), dbSNP rs1412973951, ClinGen allele CA048202.

ClinVar aggregate classification (germline): Conflicting classifications of pathogenicity. Review status: criteria provided, conflicting classifications (1 of 4 stars). 2 submissions from 2 submitters: Uncertain significance (1); Likely benign (1). Last evaluated 2025-06-04.

Conditions:
Hypertrophic cardiomyopathy. Also called: HYPERTROPHIC MYOCARDIOPATHY. Identifiers: Orphanet 217569, MedGen C0007194, MeSH D002312, MONDO:0005045, HP:0001639.
Cardiomyopathy (CMYO). Also called: Cardiomyopathies. Identifiers: Orphanet 167848, MedGen C0878544, MONDO:0004994, HP:0001638. Inheritance: Various modes of inheritance.

Allele frequency attached by ClinVar (database versions not stated): gnomAD exomes below 0.00001.
gnomAD v4.1: 2 of 1,614,072 alleles (0.00012%); highest among the groups gnomAD compares: Non-Finnish European, 0.00017%; no homozygotes.

Submissions (2):

Color Diagnostics, LLC DBA Color Health
Classification: Likely benign for Cardiomyopathy. Last evaluated: 2025-06-04. Review status: criteria provided, single submitter. Criteria: ACMG Guidelines, 2015. Collection method: clinical testing. Allele origin: germline.

All of Us Research Program, National Institutes of Health
Classification: Uncertain significance for Hypertrophic cardiomyopathy. Last evaluated: 2023-03-09. Review status: criteria provided, single submitter. Criteria: ACMG Guidelines, 2015. Collection method: clinical testing. Allele origin: germline. Inheritance: Autosomal dominant inheritance. Observed: 1 variant allele, 1 heterozygote.
Comment: This missense variant replaces glycine with serine at codon 706 of the MYBPC3 protein. Computational prediction suggests that this variant may not impact protein structure and function (internally defined REVEL score threshold <= 0.5, PMID: 27666373). To our knowledge, functional studies have not been reported for this variant. This variant has not been reported in individuals affected with MYBPC3-related disorders in the literature. This variant has been identified in 1/249270 chromosomes in the general population by the Genome Aggregation Database (gnomAD). The available evidence is insufficient to determine the role of this variant in disease conclusively. Therefore, this variant is classified as a Variant of Uncertain Significance.

This study involves interpretation of variants in research participants for the purpose of population health screening. Participant phenotype was not available at the time of variant classification. Additional details can be found in publication PMID: 35346344, PMCID: PMC8962531